The following is an entry in ClinVar:

ClinVar aggregate classification (germline): Uncertain significance (1 of 4 stars; one submission).

Allele frequency attached by ClinVar (database versions not stated): gnomAD exomes below 0.00001; TOPMed below 0.00001; gnomAD 0.00001.

Submission:

Labcorp Genetics (formerly Invitae), Labcorp
Classification: Uncertain significance. Last evaluated: 2021-10-13. Review status: criteria provided, single submitter. Criteria: Invitae Variant Classification Sherloc (09022015). Collection method: clinical testing. Allele origin: germline.
Comment: In summary, the available evidence is currently insufficient to determine the role of this variant in disease. Therefore, it has been classified as a Variant of Uncertain Significance. Algorithms developed to predict the effect of missense changes on protein structure and function are either unavailable or do not agree on the potential impact of this missense change (SIFT: "Not Available"; PolyPhen-2: "Probably Damaging"; Align-GVGD: "Not Available"). This variant has not been reported in the literature in individuals affected with USH1G-related conditions. This variant is not present in population databases (ExAC no frequency). This sequence change replaces arginine with histidine at codon 318 of the USH1G protein (p.Arg318His). The arginine residue is highly conserved and there is a small physicochemical difference between arginine and histidine.

NM_173477.5(USH1G):c.953G>A (p.Arg318His)

Gene: USH1G (USH1 protein network component sans; minus strand). Cytogenetic location: 17q25.1.
Variant type: single nucleotide variant.
Coding change: c.953G>A on transcript NM_173477.5 (MANE Select); coding-DNA position 953, G replaced by A.
Protein change: p.Arg318His; replaces arginine 318 with histidine.
Molecular consequence: missense variant.
Genome position (GRCh38, 1-based): chr17:74,919,883, C>T on the plus strand (G>A on the coding strand, the complement: USH1G is on the minus strand). VCF-style: chr17-74919883-C-T. GRCh37 (hg19) VCF-style: chr17-72915978-C-T.
Other names: c.644G>A, p.Arg215His (NM_001282489.3); short protein forms R215H, R318H.
Identifiers: ClinVar variation 1469350 (VCV001469350.6), dbSNP rs537715452, ClinGen allele CA293983904.